The following is an entry in ClinVar:

NM_006005.3(WFS1):c.1079G>A (p.Cys360Tyr)

Gene: WFS1 (wolframin ER transmembrane glycoprotein; plus strand). Cytogenetic location: 4p16.1.
Variant type: single nucleotide variant.
Coding change: c.1079G>A on transcript NM_006005.3 (MANE Select); coding-DNA position 1079, G replaced by A.
Protein change: p.Cys360Tyr; replaces cysteine 360 with tyrosine.
Molecular consequence: missense variant.
Genome position (GRCh38, 1-based): chr4:6,300,874, G>A. VCF-style: chr4-6300874-G-A. GRCh37 (hg19) VCF-style: chr4-6302601-G-A.
Other names: p.Cys360Tyr; c.1079G>A, p.Cys360Tyr (NM_001145853.1); short protein forms C360Y.
Identifiers: ClinVar variation 374398 (VCV000374398.20), dbSNP rs147157374, ClinGen allele CA2839211.

ClinVar aggregate classification (germline): Uncertain significance. Review status: criteria provided, multiple submitters, no conflicts (2 of 4 stars). 9 submissions from 9 submitters: Uncertain significance (8). 1 of the submissions does not count toward it. Last evaluated 2025-11-18.

Conditions:
WFS1-related disorder. Identifiers: MedGen CN379391, MONDO:0700293.
Type 2 diabetes mellitus. Also called: Type II diabetes mellitus. Identifiers: MedGen C0011860, MeSH D003924, MONDO:0005148, OMIM 125853, HP:0005978.
Autosomal dominant nonsyndromic hearing loss 6 (LFSNHL). Also called: DEAFNESS, AUTOSOMAL DOMINANT 6; Autosomal dominant nonsyndromic deafness 6; DEAFNESS, AUTOSOMAL DOMINANT 14; DEAFNESS, AUTOSOMAL DOMINANT 38. Identifiers: Orphanet 90635, MedGen C1833021, MONDO:0010963, OMIM 600965.
Wolfram syndrome 1 (WFS1). Identifiers: Orphanet 3463, MedGen C4551693, MONDO:0009101, OMIM 222300.
Wolfram-like syndrome. Also called: HEARING LOSS, PROGRESSIVE, WITH OPTIC ATROPHY AND/OR IMPAIRED GLUCOSE REGULATION. Identifiers: Orphanet 411590, MedGen C3280358, MONDO:0013673, OMIM 614296.
Cataract 41 (CTRCT41). Also called: CATARACT 41, CONGENITAL NUCLEAR TYPE. Identifiers: Orphanet 91492, Orphanet 98991, Orphanet 98992, Orphanet 98995, MedGen C3805412, MONDO:0007287, OMIM 116400.
Optic atrophy. Identifiers: MedGen C0029124, MONDO:0003608, HP:0000648.

Allele frequency attached by ClinVar (database versions not stated): ExAC 0.00011; gnomAD exomes 0.00013; ESP Exome Variant Server 0.00015; gnomAD 0.00026 and 0.00029; TOPMed 0.00048.
gnomAD v4.1: 328 of 1,613,958 alleles (0.02%); highest among the groups gnomAD compares: Admixed American, 0.05%; no homozygotes.

Submissions (9):

Labcorp Genetics (formerly Invitae), Labcorp
Classification: Uncertain significance. Last evaluated: 2025-11-18. Review status: criteria provided, single submitter. Criteria: Invitae Variant Classification Sherloc (09022015). Collection method: clinical testing. Allele origin: germline.
Comment: This sequence change replaces cysteine, which is neutral and slightly polar, with tyrosine, which is neutral and polar, at codon 360 of the WFS1 protein (p.Cys360Tyr). This variant is present in population databases (rs147157374, gnomAD 0.02%). This missense change has been observed in individual(s) with multiple congenital anomalies or with type 1 diabetes (PMID: 27959697, 31264968). ClinVar contains an entry for this variant (Variation ID: 374398). Invitae Evidence Modeling of protein sequence and biophysical properties (such as structural, functional, and spatial information, amino acid conservation, physicochemical variation, residue mobility, and thermodynamic stability) indicates that this missense variant is expected to disrupt WFS1 protein function with a positive predictive value of 95%. In summary, the available evidence is currently insufficient to determine the role of this variant in disease. Therefore, it has been classified as a Variant of Uncertain Significance.

GeneDx
Classification: Uncertain significance. Last evaluated: 2025-06-14. Review status: criteria provided, single submitter. Criteria: GeneDx Variant Classification Process June 2021. Collection method: clinical testing. Allele origin: germline. Affected: yes.
Comment: Reported as a variant of uncertain significance in a patient referred for whole exome sequencing who was also compound heterozygous for another variant of uncertain significance in WFS1 (PMID: 27959697); patient clinical information not provided; In silico analysis supports that this missense variant has a deleterious effect on protein structure/function; This variant is associated with the following publications: (PMID: 26435059, 31264968, 39766859, 27959697)

PreventionGenetics, part of Exact Sciences
Classification: Uncertain significance for WFS1-related condition. Last evaluated: 2025-04-22. Review status: criteria provided, single submitter. Criteria: ACMG Guidelines, 2015. Collection method: clinical testing. Allele origin: germline.
Comment: The WFS1 c.1079G>A variant is predicted to result in the amino acid substitution p.Cys360Tyr. This variant has been reported in trans to a second WFS1 variant in a patient that also had a de novo variant in ACTG1, and detailed phenotypic information was not provided (Posey et al. 2017. PubMed ID: 27959697). This variant has also been reported in a patient with type 1 diabetes without indication of additional clinical features (Yu et al. 2019. PubMed ID: 31264968). This variant is reported in 0.020% of alleles in individuals of European (Non-Finnish) descent in gnomAD. At this time, the clinical significance of this variant is uncertain due to the absence of conclusive functional and genetic evidence.

Blueprint Genetics
Classification: Uncertain significance. Last evaluated: 2024-11-26. Review status: criteria provided, single submitter. Criteria: ACMG Guidelines, 2015. Collection method: clinical testing. Allele origin: germline.

Mayo Clinic Laboratories, Mayo Clinic
Classification: Uncertain significance. Last evaluated: 2022-09-06. Review status: criteria provided, single submitter. Criteria: ACMG Guidelines, 2015. Collection method: clinical testing. Allele origin: germline. Observed: 1 variant allele.
Comment: PP3, PM2_supporting

Institute of Human Genetics, Univ. Regensburg, Univ. Regensburg
Classification: Uncertain significance for Optic atrophy. Last evaluated: 2020-01-01. Review status: criteria provided, single submitter. Criteria: ACMG Guidelines, 2015. Collection method: clinical testing. Allele origin: germline. Affected: yes.

Fulgent Genetics
Classification: Uncertain significance for Cataract 41; Type 2 diabetes mellitus; Wolfram syndrome 1; Autosomal dominant nonsyndromic hearing loss 6; Wolfram-like syndrome. Last evaluated: 2018-10-31. Review status: criteria provided, single submitter. Criteria: ACMG Guidelines, 2015. Collection method: clinical testing. Allele origin: unknown.

Genomic Research Center, Shahid Beheshti University of Medical Sciences
Classification: Uncertain significance for WFS1-Related Disorders. Last evaluated: 2018-08-07. Review status: criteria provided, single submitter. Criteria: ACMG Guidelines, 2015. Collection method: clinical testing. Allele origin: inherited. Affected: yes. Observed: 1 variant allele.

Baylor Genetics
Classification: Uncertain significance for Wolfram syndrome 1. Last evaluated: 2014-09-24. Review status: no assertion criteria provided. Collection method: clinical testing. Allele origin: germline. Inheritance: Autosomal recessive inheritance. Observed: 6 variant alleles, 4 heterozygotes, 2 compound heterozygotes. Not counted in ClinVar's aggregate classification.
Comment: Brain MRI showed dysplastic corpus callosum and possible intracranial lipoma.

Literature cited by the submitters: PubMed 27959697 (cited by 3 submitters); PubMed 31264968 (cited by Labcorp Genetics (formerly Invitae), Labcorp and Mayo Clinic Laboratories, Mayo Clinic); PubMed 26435059 (cited by Mayo Clinic Laboratories, Mayo Clinic); PubMed 3126496 (cited by Institute of Human Genetics, Univ. Regensburg, Univ. Regensburg).